The following is an entry in ClinVar:

NM_000089.4(COL1A2):c.266G>T (p.Gly89Val)

Gene: COL1A2 (collagen type I alpha 2 chain; plus strand). Cytogenetic location: 7q21.3.
Variant type: single nucleotide variant.
Coding change: c.266G>T on transcript NM_000089.4 (MANE Select); coding-DNA position 266, G replaced by T.
Protein change: p.Gly89Val; replaces glycine 89 with valine.
Molecular consequence: missense variant.
Genome position (GRCh38, 1-based): chr7:94,401,607, G>T. VCF-style: chr7-94401607-G-T. GRCh37 (hg19) VCF-style: chr7-94030919-G-T.
Other names: short protein forms G89V.
Identifiers: ClinVar variation 2939707 (VCV002939707.3), dbSNP rs1791691239, ClinGen allele CA368219384.
Genomic context (GRCh38, chr7:94,401,607, plus strand): 5'-TTTTTTTTTTACTTCTCTAGAACTTTGCTGCTCAGTATGATGGAAAAGGAGTTGGACTTG[G>T]CCCTGGACCAATGGTATGCTTATCTGTTTATCTTAGCCAAAAAAATTGCTAAATAAATCA-3'
Protein context (NP_000080.2, residues 79-99): AQYDGKGVGL[Gly89Val]PGPMGLMGPR

ClinVar aggregate classification (germline): Uncertain significance (1 of 4 stars; one submission).

Conditions:
Osteogenesis imperfecta type I (OI1). Also called: Lobstein disease; OI, TYPE I; OSTEOGENESIS IMPERFECTA TARDA; OSTEOGENESIS IMPERFECTA WITH BLUE SCLERAE; Osteogenesis imperfecta type 1; Lobstein's Disease. Identifiers: Orphanet 216796, Orphanet 666, MedGen C0023931, MONDO:0008146, OMIM 166200. Disease mechanism: loss of function.
Ehlers-Danlos syndrome, classic type, 1 (EDSCL1). Also called: EDS I; EHLERS-DANLOS SYNDROME, GRAVIS TYPE; EHLERS-DANLOS SYNDROME, SEVERE CLASSIC TYPE; Ehlers-Danlos syndrome, type 1; Ehlers-Danlos Syndrome, Classic Type, COL5A1-Related. Identifiers: MedGen C0268335, MONDO:0019567, OMIM 130000.

Allele frequency attached by ClinVar (database versions not stated): TOPMed below 0.00001.

Submission:

Labcorp Genetics (formerly Invitae), Labcorp
Classification: Uncertain significance for Osteogenesis imperfecta type I; Ehlers-Danlos syndrome, classic type, 1. Last evaluated: 2023-07-08. Review status: criteria provided, single submitter. Criteria: Invitae Variant Classification Sherloc (09022015). Collection method: clinical testing. Allele origin: germline.
Comment: In summary, the available evidence is currently insufficient to determine the role of this variant in disease. Therefore, it has been classified as a Variant of Uncertain Significance. Advanced modeling of protein sequence and biophysical properties (such as structural, functional, and spatial information, amino acid conservation, physicochemical variation, residue mobility, and thermodynamic stability) has been performed at Invitae for this missense variant, however the output from this modeling did not meet the statistical confidence thresholds required to predict the impact of this variant on COL1A2 protein function. This variant has not been reported in the literature in individuals affected with COL1A2-related conditions. This variant is not present in population databases (gnomAD no frequency). This sequence change replaces glycine, which is neutral and non-polar, with valine, which is neutral and non-polar, at codon 89 of the COL1A2 protein (p.Gly89Val).